The following is an entry in ClinVar:

NM_012186.3(FOXE3):c.94C>A (p.Leu32Ile)

Genes: FOXE3 (forkhead box E3; plus strand), LINC01389 (long intergenic non-protein coding RNA 1389; minus strand). Cytogenetic location: 1p33.
Variant type: single nucleotide variant.
Coding change: c.94C>A on transcript NM_012186.3 (MANE Select); coding-DNA position 94, C replaced by A.
Protein change: p.Leu32Ile; replaces leucine 32 with isoleucine.
Molecular consequence: missense variant.
Genome position (GRCh38, 1-based): chr1:47,416,409, C>A. VCF-style: chr1-47416409-C-A. GRCh37 (hg19) VCF-style: chr1-47882081-C-A.
Other names: short protein forms L32I.
Identifiers: ClinVar variation 3279570 (VCV003279570.1).

ClinVar aggregate classification (germline): Uncertain significance (1 of 4 stars; one submission).

Conditions:
Cardiovascular phenotype. Identifiers: MedGen CN230736.

Submission:

Ambry Genetics
Classification: Uncertain significance for Cardiovascular phenotype. Last evaluated: 2024-05-04. Review status: criteria provided, single submitter. Criteria: Ambry Variant Classification Scheme 2023. Collection method: clinical testing. Allele origin: germline.
Comment: The p.L32I variant (also known as c.94C>A), located in coding exon 1 of the FOXE3 gene, results from a C to A substitution at nucleotide position 94. The leucine at codon 32 is replaced by isoleucine, an amino acid with highly similar properties. This amino acid position is conserved. In addition, this alteration is predicted to be tolerated by in silico analysis. Based on the available evidence, the clinical significance of this variant remains unclear.